The following is an entry in ClinVar:

ClinVar aggregate classification (germline): Uncertain significance (1 of 4 stars; one submission).

Submission:

Labcorp Genetics (formerly Invitae), Labcorp
Classification: Uncertain significance. Last evaluated: 2022-03-27. Review status: criteria provided, single submitter. Criteria: Invitae Variant Classification Sherloc (09022015). Collection method: clinical testing. Allele origin: germline.
Comment: This sequence change replaces proline, which is neutral and non-polar, with glutamine, which is neutral and polar, at codon 35 of the DNA2 protein (p.Pro35Gln). This variant is not present in population databases (gnomAD no frequency). This variant has not been reported in the literature in individuals affected with DNA2-related conditions. Algorithms developed to predict the effect of missense changes on protein structure and function are either unavailable or do not agree on the potential impact of this missense change (SIFT: "Tolerated"; PolyPhen-2: "Not Available"; Align-GVGD: "Class C0"). In summary, the available evidence is currently insufficient to determine the role of this variant in disease. Therefore, it has been classified as a Variant of Uncertain Significance.

NM_001080449.3(DNA2):c.104C>A (p.Pro35Gln)

Gene: DNA2 (DNA replication helicase/nuclease 2; minus strand). Cytogenetic location: 10q21.3.
Variant type: single nucleotide variant.
Coding change: c.104C>A on transcript NM_001080449.3 (MANE Select); coding-DNA position 104, C replaced by A.
Protein change: p.Pro35Gln; replaces proline 35 with glutamine.
Molecular consequence: missense variant. On other transcripts: non-coding transcript variant (1).
Genome position (GRCh38, 1-based): chr10:68,470,134, G>T on the plus strand (C>A on the coding strand, the complement: DNA2 is on the minus strand). VCF-style: chr10-68470134-G-T. GRCh37 (hg19) VCF-style: chr10-70229891-G-T.
Other names: short protein forms P35Q.
Identifiers: ClinVar variation 2118221 (VCV002118221.4), dbSNP rs267602555, ClinGen allele CA376832445.